The following is an entry in ClinVar:

NM_004260.4(RECQL4):c.94G>C (p.Glu32Gln)

Genes: RECQL4 (RecQ like helicase 4; minus strand), LOC130001411 (ATAC-STARR-seq lymphoblastoid silent region 19699; plus strand). Cytogenetic location: 8q24.3.
Variant type: single nucleotide variant.
Coding change: c.94G>C on transcript NM_004260.4 (MANE Select); coding-DNA position 94, G replaced by C.
Protein change: p.Glu32Gln; replaces glutamic acid 32 with glutamine.
Molecular consequence: missense variant.
Genome position (GRCh38, 1-based): chr8:144,517,626, C>G on the plus strand (G>C on the coding strand, the complement: RECQL4 is on the minus strand). VCF-style: chr8-144517626-C-G. GRCh37 (hg19) VCF-style: chr8-145743010-C-G.
Other names: c.94G>C (NM_004260.3); short protein forms E32Q.
Identifiers: ClinVar variation 1022021 (VCV001022021.4), dbSNP rs1815404112, ClinGen allele CA372693500.

ClinVar aggregate classification (germline): Uncertain significance. Review status: criteria provided, multiple submitters, no conflicts (2 of 4 stars). 2 submissions from 2 submitters: Uncertain significance (2). Last evaluated 2026-08-25.

Conditions:
Inborn genetic diseases. Identifiers: MedGen C0950123, MeSH D030342.
Baller-Gerold syndrome (BGS). Also called: CRANIOSYNOSTOSIS WITH RADIAL DEFECTS. Identifiers: Orphanet 1225, MedGen C0265308, MONDO:0009039, OMIM 218600.

gnomAD v4.1: 1 of 1,486,678 alleles (0.000067%); highest among the groups gnomAD compares: Non-Finnish European, 0.000089%; no homozygotes.

Submissions (2):

Ambry Genetics
Classification: Uncertain significance for Inborn genetic diseases. Last evaluated: 2026-08-25. Review status: criteria provided, single submitter. Criteria: Ambry Variant Classification Scheme 2023. Collection method: clinical testing. Allele origin: germline.
Comment: The p.E32Q variant (also known as c.94G>C), located in coding exon 2 of the RECQL4 gene, results from a G to C substitution at nucleotide position 94. The glutamic acid at codon 32 is replaced by glutamine, an amino acid with highly similar properties. This amino acid position is conserved. In addition, this alteration is predicted to be tolerated by in silico analysis. Based on the available evidence, the clinical significance of this variant remains unclear.

Labcorp Genetics (formerly Invitae), Labcorp
Classification: Uncertain significance for Baller-Gerold syndrome. Last evaluated: 2020-06-30. Review status: criteria provided, single submitter. Criteria: Invitae Variant Classification Sherloc (09022015). Collection method: clinical testing. Allele origin: germline.
Comment: This variant has not been reported in the literature in individuals with RECQL4-related conditions. In summary, the available evidence is currently insufficient to determine the role of this variant in disease. Therefore, it has been classified as a Variant of Uncertain Significance. Experimental studies and prediction algorithms are not available or were not evaluated, and the functional significance of this variant is currently unknown. The frequency data for this variant in the population databases is considered unreliable, as metrics indicate insufficient coverage at this position in the ExAC database. This sequence change replaces glutamic acid with glutamine at codon 32 of the RECQL4 protein (p.Glu32Gln). The glutamic acid residue is moderately conserved and there is a small physicochemical difference between glutamic acid and glutamine.